The following is an entry in ClinVar:

NM_001035.3(RYR2):c.8209-7_8209-4del

Gene: RYR2 (ryanodine receptor 2; plus strand). Cytogenetic location: 1q43.
Variant type: Deletion.
Coding change: c.8209-7_8209-4del on transcript NM_001035.3 (MANE Select); 7 bases into the intron before coding-DNA position 8209 through 4 bases into the intron before coding-DNA position 8209, 4 bases deleted (TTTT; older notation c.8209-7_8209-4delTTTT).
Molecular consequence: intron variant.
Genome position (GRCh38, 1-based): chr1:237,659,978-237,659,981, TTTT deleted; deleting any 4 consecutive bases within chr1:237,659,975-237,659,981 gives the same sequence; the c. name uses the placement nearest the transcript's 3' end. VCF-style (leftmost placement, unchanged base first): chr1-237659974-CTTTT-C. GRCh37 (hg19) VCF-style: chr1-237823274-CTTTT-C.
Other names: c.8209-7_8209-4delTTTT (NM_001035.2).
Identifiers: ClinVar variation 229224 (VCV000229224.22), dbSNP rs876657992, ClinGen allele CA087581.

ClinVar aggregate classification (germline): Conflicting classifications of pathogenicity. Review status: criteria provided, conflicting classifications (1 of 4 stars). 5 submissions from 5 submitters: Uncertain significance (2); Likely benign (3). Last evaluated 2026-01-19.

Conditions:
Catecholaminergic polymorphic ventricular tachycardia (CVPT). Also called: Catecholamine-induced polymorphic ventricular tachycardia. Identifiers: Orphanet 3286, MedGen C5574922, MONDO:0017990.
Catecholaminergic polymorphic ventricular tachycardia 1. Also called: VENTRICULAR TACHYCARDIA, STRESS-INDUCED POLYMORPHIC 1; RYR2-Related Catecholaminergic Polymorphic Ventricular Tachycardia; VENTRICULAR TACHYCARDIA, CATECHOLAMINERGIC POLYMORPHIC, 1, WITH OR WITHOUT ATRIAL DYSFUNCTION AND/OR DILATED CARDIOMYOPATHY. Identifiers: Orphanet 3286, MedGen C1631597, MONDO:0011484, OMIM 604772.
Cardiomyopathy (CMYO). Also called: Cardiomyopathies. Identifiers: Orphanet 167848, MedGen C0878544, MONDO:0004994, HP:0001638. Inheritance: Various modes of inheritance.

Submissions (5):

Labcorp Genetics (formerly Invitae), Labcorp
Classification: Likely benign for Catecholaminergic polymorphic ventricular tachycardia 1. Last evaluated: 2026-01-19. Review status: criteria provided, single submitter. Criteria: Invitae Variant Classification Sherloc (09022015). Collection method: clinical testing. Allele origin: germline.

All of Us Research Program, National Institutes of Health
Classification: Likely benign for Catecholaminergic polymorphic ventricular tachycardia. Last evaluated: 2024-08-13. Review status: criteria provided, single submitter. Criteria: ACMG Guidelines, 2015. Collection method: clinical testing. Allele origin: germline. Inheritance: Autosomal dominant inheritance. Observed: 12 variant alleles, 12 heterozygotes.
Comment: This study involves interpretation of variants in research participants for the purpose of population health screening. Participant phenotype was not available at the time of variant classification. Additional details can be found in publication PMID: 35346344, PMCID: PMC8962531

GeneDx
Classification: Uncertain significance. Last evaluated: 2021-05-06. Review status: criteria provided, single submitter. Criteria: GeneDx Variant Classification Process June 2021. Collection method: clinical testing. Allele origin: germline. Affected: yes.
Comment: Has not been previously published as pathogenic or benign to our knowledge; Reported in ClinVar (ClinVar Variant ID# 229224; Landrum et al., 2016); Not observed at a significant frequency in large population cohorts (Lek et al., 2016); In-silico analysis, which includes splice predictors and evolutionary conservation, is inconclusive as to whether the variant alters gene splicing. In the absence of RNA/functional studies, the actual effect of this sequence change is unknown.; Not located in one of the three hot-spot regions of the RYR2 gene, where the majority of pathogenic missense variants occur (Medeiros-Domingo et al., 2009)

Color Diagnostics, LLC DBA Color Health
Classification: Likely benign for Cardiomyopathy. Last evaluated: 2019-04-01. Review status: criteria provided, single submitter. Criteria: ACMG Guidelines, 2015. Collection method: clinical testing. Allele origin: germline.

Laboratory for Molecular Medicine, Mass General Brigham Personalized Medicine
Classification: Uncertain significance. Last evaluated: 2016-03-18. Review status: criteria provided, single submitter. Criteria: LMM Criteria. Collection method: clinical testing. Allele origin: germline. Observed: 2 variant alleles.
Comment: The c.8209-7_8209-4delTTTT variant in RYR2 has not been previously reported in i ndividuals with cardiomyopathy. Data from large population studies is insuffici ent to assess the frequency of this variant. This deletion is located in the 3' splice region. Computational tools suggest some impact to splicing. However, thi s information is not predictive enough to determine pathogenicity. In summary, t he clinical significance of the c.8209-7_8209-4delTTTT variant is uncertain.